The following is an entry in ClinVar:

ClinVar aggregate classification (germline): Benign/Likely benign. Review status: criteria provided, multiple submitters, no conflicts (2 of 4 stars). 4 submissions from 4 submitters: Benign (3); Likely benign (1). Last evaluated 2026-01-18.

Conditions:
Weill-Marchesani syndrome. Also called: WM Syndrome; Mesodermal dysmorphodystrophy congenital. Identifiers: Orphanet 3449, MedGen C0265313, MONDO:0018096.

Allele frequency attached by ClinVar (database versions not stated): gnomAD exomes 0.00044 and 0.00123; ExAC 0.00192; ESP Exome Variant Server 0.00330; 1000 Genomes Project 0.00339; 1000 Genomes Project 30x 0.00390; gnomAD 0.00453 and 0.00505; TOPMed 0.00534.
gnomAD v4.1: 1,342 of 1,537,306 alleles (0.087%); highest among the groups gnomAD compares: African/African-American, 1.6%; 12 homozygotes.

Submissions (4):

Labcorp Genetics (formerly Invitae), Labcorp
Classification: Benign. Last evaluated: 2026-01-18. Review status: criteria provided, single submitter. Criteria: Invitae Variant Classification Sherloc (09022015). Collection method: clinical testing. Allele origin: germline.

Blueprint Genetics
Classification: Likely benign. Last evaluated: 2024-09-13. Review status: criteria provided, single submitter. Criteria: ACMG Guidelines, 2015. Collection method: clinical testing. Allele origin: germline.

Illumina Laboratory Services, Illumina
Classification: Benign for Weill-Marchesani syndrome. Last evaluated: 2018-01-12. Review status: criteria provided, single submitter. Criteria: ICSL Variant Classification Criteria 13 December 2019. Collection method: clinical testing. Allele origin: germline.
Comment: This variant was observed in the ICSL laboratory as part of a predisposition screen in an ostensibly healthy population. It had not been previously curated by ICSL or reported in the Human Gene Mutation Database (HGMD: prior to June 1st, 2018), and was therefore a candidate for classification through an automated scoring system. Utilizing variant allele frequency, disease prevalence and penetrance estimates, and inheritance mode, an automated score was calculated to assess if this variant is too frequent to cause the disease. Based on the score and internal cut-off values, a variant classified as benign is not then subjected to further curation. The score for this variant resulted in a classification of benign for this disease.

Breakthrough Genomics
Classification: Benign. Review status: criteria provided, single submitter. Criteria: ACMG Guidelines, 2015. Collection method: not provided. Allele origin: germline. Inheritance: Autosomal recessive inheritance. Affected: yes.

NM_030957.4(ADAMTS10):c.2865+11C>A

Gene: ADAMTS10 (ADAM metallopeptidase with thrombospondin type 1 motif 10; minus strand). Cytogenetic location: 19p13.2.
Variant type: single nucleotide variant.
Coding change: c.2865+11C>A on transcript NM_030957.4 (MANE Select); 11 bases into the intron after coding-DNA position 2865, C replaced by A.
Molecular consequence: intron variant.
Genome position (GRCh38, 1-based): chr19:8,585,445, G>T on the plus strand (C>A on the coding strand, the complement: ADAMTS10 is on the minus strand). VCF-style: chr19-8585445-G-T. GRCh37 (hg19) VCF-style: chr19-8650329-G-T.
Other names: c.1326+11C>A (NM_001282352.2).
Identifiers: ClinVar variation 894780 (VCV000894780.15), dbSNP rs367808475, ClinGen allele CA9160004.